The following is an entry in ClinVar:

ClinVar aggregate classification (germline): Likely benign (0 of 4 stars; one submission).

Conditions:
SEPSECS-related disorder. Also called: SEPSECS-related condition.

Allele frequency attached by ClinVar (database versions not stated): ESP Exome Variant Server 0.00008; ExAC 0.00012; gnomAD 0.00013; TOPMed 0.00013.
gnomAD v4.1: 454 of 1,610,320 alleles (0.028%); highest among the groups gnomAD compares: Non-Finnish European, 0.037%; no homozygotes.

Submission:

PreventionGenetics, part of Exact Sciences
Classification: Likely benign for SEPSECS-related condition. Last evaluated: 2019-05-22. Review status: no assertion criteria provided. Collection method: clinical testing. Allele origin: germline.
Comment: This variant is classified as likely benign based on ACMG/AMP sequence variant interpretation guidelines (Richards et al. 2015 PMID: 25741868, with internal and published modifications).

NM_016955.4(SEPSECS):c.*5C>T

Gene: SEPSECS (Sep (O-phosphoserine) tRNA:Sec (selenocysteine) tRNA synthase; minus strand). Cytogenetic location: 4p15.2.
Variant type: single nucleotide variant.
Coding change: c.*5C>T on transcript NM_016955.4 (MANE Select); 5 bases downstream of the stop codon, C replaced by T.
Molecular consequence: 3 prime UTR variant.
Genome position (GRCh38, 1-based): chr4:25,123,926, G>A on the plus strand (C>T on the coding strand, the complement: SEPSECS is on the minus strand). VCF-style: chr4-25123926-G-A. GRCh37 (hg19) VCF-style: chr4-25125548-G-A.
Other names: c.*5C>T (NM_001410714.1, NM_153825.2).
Identifiers: ClinVar variation 3038102 (VCV003038102.2), dbSNP rs370913126, ClinGen allele CA2877127.